The following is an entry in ClinVar:

ClinVar aggregate classification (germline): Pathogenic. Review status: reviewed by expert panel (3 of 4 stars). 14 submissions from 13 submitters: Pathogenic (1). 13 of the submissions do not count toward it. Last evaluated 2026-06-23.

Conditions:
ABCA4-related retinopathy. Also called: ABCA4-related retinoapthy; ABCA4 retinoapthy. Identifiers: MedGen CN322612, MONDO:0800406.
ABCA4-related disorder. Also called: ABCA4-related condition; ABCA4-related disorders. Identifiers: MedGen CN239167.
Retinal dystrophy. Also called: Inherited retinal dystrophy. Identifiers: Orphanet 71862, MedGen C0854723, MeSH D058499, MONDO:0019118, HP:0000556.
Severe early-childhood-onset retinal dystrophy (STGD1). Also called: MACULAR DYSTROPHY WITH FLECKS, TYPE 1; STGD; Stargardt macular dystrophy; Juvenile onset macular degeneration; Stargardt disease 1. Identifiers: Orphanet 364055, Orphanet 827, MedGen C1855465, MeSH D000080362, MONDO:0009549, OMIM 248200.
Retinal disorder. Also called: Retinopathy; Retinal disorders; Retinopathies; Retinal Diseases. Identifiers: MedGen C0035309, MONDO:0005283, HP:0000488.

Allele frequency attached by ClinVar (database versions not stated): ExAC 0.00002; gnomAD exomes 0.00002 and 0.00005; TOPMed 0.00004; gnomAD 0.00005; ESP Exome Variant Server 0.00008.
gnomAD v4.1: 79 of 1,614,100 alleles (0.0049%); highest among the groups gnomAD compares: Non-Finnish European, 0.0061%; no homozygotes.

Submissions 1 to 10 of 14:

ClinGen ABCA4 Variant Curation Expert Panel, Clingen
Classification: Pathogenic for ABCA4-related retinopathy. Last evaluated: 2026-06-23. Review status: reviewed by expert panel. Criteria: ClinGen ABCA4 ACMG Specifications V1.0.0. Collection method: curation. Allele origin: germline. Inheritance: Autosomal recessive inheritance.
Comment: The NM_000350.3(ABCA4):c.6449G>A is a missense variant predicted to cause substitution of cysteine by tyrosine at amino acid 2150 (p.Cys2150Tyr). The total minor allele frequency in gnomAD v4.1.0 is 0.0000489 (79/1614100 alleles), which is lower than the ClinGen ABCA4 VCEP’s threshold for PM2_Supporting (<0.0001). The computational predictor REVEL gives a score of 0.923 which is above the threshold of >0.772, evidence that predicts a damaging effect on ABCA4 function (PP3_Moderate). The prevalence of the variant in affected individuals is significantly increased compared with the prevalence in controls with an OR of 103 and CI of 40.79 to 333.44, which is above the ABCA4 VCEP threshold of ≥5, where the CI does not contain 1 (PS4; PMID: 35120629). This variant has been detected in six individuals with ABCA4-related retinopathy who were compound heterozygous for the variant and a pathogenic variant, phase unconfirmed (PM3 = 2 pts, PM3_Strong; PMID: 27820952). In summary, this variant meets the criteria to be classified as pathogenic for ABCA4-related retinopathy based on the ACMG/AMP criteria applied, as specified by the ClinGen ABCA4 VCEP (Specification Version 1.0): PS4, PM3_Strong, PP3_Moderate, PM2_Supporting.

PreventionGenetics, part of Exact Sciences
Classification: Pathogenic for ABCA4-related condition. Last evaluated: 2026-08-30. Review status: criteria provided, single submitter. Criteria: ACMG Guidelines, 2015. Collection method: clinical testing. Allele origin: germline. Not counted in ClinVar's aggregate classification.
Comment: The ABCA4 c.6449G>A variant is predicted to result in the amino acid substitution p.Cys2150Tyr. This variant has been reported in the compound heterozygous state, homozygous state, or along with a second causative variant in multiple individuals with ABCA4-related disease (see for example: Briggs et al. 2001. PubMed ID: 11527935; Table S1, Stone et al. 2017. PubMed ID: 28559085; Riveiro-Alvarez et al. 2013. PubMed ID: 23755871; Table S1, Lin et al. 2024. PubMed ID: 38219857; Internal Data, PreventionGenetics). This variant has also been reported in two siblings with Stargardt disease along with two additional causative ABCA4 variants (Sisk et al. 2014. PubMed ID: 24743636); however, the phasing of these three variants was not conducted. This variant is reported in 0.0054% of alleles in individuals of European (non-Finnish) descent in gnomAD. This variant is interpreted as pathogenic.

Genetics Laboratory, Great Ormond Street Hospital NHS Foundation Trust, North Thames Genomic Laboratory Hub
Classification: Pathogenic for Retinal disorders. Last evaluated: 2026-02-12. Review status: criteria provided, single submitter. Criteria: ACGS Best Practice Guidelines for Variant Classification in Rare Disease 2024 v1.2. Collection method: clinical testing. Allele origin: germline. Affected: yes. Not counted in ClinVar's aggregate classification.
Comment: PM2_moderate, PP3_supporting, PM3_very-strong

Labcorp Genetics (formerly Invitae), Labcorp
Classification: Pathogenic. Last evaluated: 2025-12-03. Review status: criteria provided, single submitter. Criteria: Invitae Variant Classification Sherloc (09022015). Collection method: clinical testing. Allele origin: germline. Not counted in ClinVar's aggregate classification.
Comment: This sequence change replaces cysteine, which is neutral and slightly polar, with tyrosine, which is neutral and polar, at codon 2150 of the ABCA4 protein (p.Cys2150Tyr). This variant is present in population databases (rs61751384, gnomAD 0.006%). This missense change has been observed in individual(s) with bullseye maculopathy (PMID: 15579991, 23755871, 24743636, 25283059, 28559085). In at least one individual the data is consistent with being in trans (on the opposite chromosome) from a pathogenic variant. ClinVar contains an entry for this variant (Variation ID: 99463). Invitae Evidence Modeling of protein sequence and biophysical properties (such as structural, functional, and spatial information, amino acid conservation, physicochemical variation, residue mobility, and thermodynamic stability) indicates that this missense variant is expected to disrupt ABCA4 protein function with a positive predictive value of 95%. This variant disrupts the p.Cys2150 amino acid residue in ABCA4. Other variant(s) that disrupt this residue have been observed in individuals with ABCA4-related conditions (PMID: 11527935), which suggests that this may be a clinically significant amino acid residue. For these reasons, this variant has been classified as Pathogenic.

Blueprint Genetics
Classification: Pathogenic for ABCA4-related disorders. Last evaluated: 2024-08-29. Review status: criteria provided, single submitter. Criteria: ACMG Guidelines, 2015. Collection method: clinical testing. Allele origin: germline. Affected: yes. Observed: 5 variant alleles. Not counted in ClinVar's aggregate classification.

Victorian Clinical Genetics Services, Murdoch Childrens Research Institute
Classification: Pathogenic for Severe early-childhood-onset retinal dystrophy. Last evaluated: 2023-12-21. Review status: criteria provided, single submitter. Criteria: ACMG Guidelines, 2015. Collection method: clinical testing. Allele origin: germline. Inheritance: Autosomal recessive inheritance. Affected: no. Not counted in ClinVar's aggregate classification.
Comment: Based on the classification scheme VCGS_Germline_v1.3.4, this variant is classified as Pathogenic. Following criteria are met: 0102 - Loss of function is a known mechanism of disease in this gene and is associated with Stargardt disease 1 (MIM#248200) and other inherited retinal diseases (OMIM). (I) 0106 - This gene is associated with autosomal recessive disease. (I) 0115 - Variants in this gene are known to have variable expressivity (PMID: 31522899). (I) 0200 - Variant is predicted to result in a missense amino acid change from cysteine to tyrosine. (I) 0251 - This variant is heterozygous. (I) 0304 - Variant is present in gnomAD <0.01 for a recessive condition (v2 & v3: 13 heterozygotes, 0 homozygotes). (SP) 0309 - An alternative amino acid change at the same position has been observed in gnomAD (v2 & v3: 2 heterozygotes, 0 homozygotes). (I) 0501 - Missense variant consistently predicted to be damaging by multiple in silico tools or highly conserved with a major amino acid change. (SP) 0604 - Variant is not located in an established domain, motif, hotspot or informative constraint region. (I) 0801 - This variant has strong previous evidence of pathogenicity in unrelated individuals. It has been regarded as likely pathogenic and pathogenic by diagnostic laboratories in ClinVar and reported in multiple individuals with Stargardt disease 1 (PMIDs: 35156991, 27820952, 37296172). (SP) 1208 - Inheritance information for this variant is not currently available in this individual. (I) Legend: (SP) - Supporting pathogenic, (I) - Information, (SB) - Supporting benign

Institute of Human Genetics, Univ. Regensburg, Univ. Regensburg
Classification: Likely pathogenic for Retinal dystrophy. Last evaluated: 2022-01-01. Review status: criteria provided, single submitter. Criteria: ACMG Guidelines, 2015. Collection method: clinical testing. Allele origin: germline. Affected: yes. Not counted in ClinVar's aggregate classification.

GeneDx
Classification: Pathogenic. Last evaluated: 2020-11-17. Review status: criteria provided, single submitter. Criteria: GeneDx Variant Classification Process June 2021. Collection method: clinical testing. Allele origin: germline. Affected: yes. Not counted in ClinVar's aggregate classification.
Comment: In silico analysis supports that this missense variant has a deleterious effect on protein structure/function; This variant is associated with the following publications: (PMID: 32467599, 32581362, 28559085, 18977788, 29925512, 27820952, 19074458, 10206579, 25283059, 25342616, 11527935, 11673412, 14971589, 16917483, 10634594, 24677105, 26743751, 25139735, 23096905, 19243736, 15579991, 28118664, 24743636, 22264887, 25301883, 18024811, 15192030, 11702214, 11328725, 14517951)

Institute of Medical Genetics and Applied Genomics, University Hospital Tübingen
Classification: Pathogenic. Last evaluated: 2020-10-23. Review status: criteria provided, single submitter. Criteria: ACMG Guidelines, 2015. Collection method: clinical testing. Allele origin: germline. Inheritance: Autosomal recessive inheritance. Affected: yes. Not counted in ClinVar's aggregate classification.

CeGaT Center for Human Genetics Tuebingen
Classification: Pathogenic. Last evaluated: 2019-07-01. Review status: criteria provided, single submitter. Criteria: CeGaT Center For Human Genetics Tuebingen Variant Classification Criteria Version 2. Collection method: clinical testing. Allele origin: germline. Affected: yes. Observed: 4 variant alleles. Not counted in ClinVar's aggregate classification.

NM_000350.3(ABCA4):c.6449G>A (p.Cys2150Tyr)

Gene: ABCA4 (ATP binding cassette subfamily A member 4; minus strand). Cytogenetic location: 1p22.1.
Variant type: single nucleotide variant.
Coding change: c.6449G>A on transcript NM_000350.3 (MANE Select); coding-DNA position 6449, G replaced by A.
Protein change: p.Cys2150Tyr; replaces cysteine 2150 with tyrosine.
Molecular consequence: missense variant.
Genome position (GRCh38, 1-based): chr1:94,000,866, C>T on the plus strand (G>A on the coding strand, the complement: ABCA4 is on the minus strand). VCF-style: chr1-94000866-C-T. GRCh37 (hg19) VCF-style: chr1-94466422-C-T.
Other names: c.6227G>A, p.Cys2076Tyr (NM_001425324.1); short protein forms C2150Y, C2076Y.
Identifiers: ClinVar variation 99463 (VCV000099463.63), dbSNP rs61751384, ClinGen allele CA227408.
Genomic context (GRCh38, chr1:94,000,866, plus strand): 5'-AACAAGGGGCACGCCCCACCATCTGCTTACTTGGACTTGAGATGCTGAATGGTGCCCATA[C>T]ATCGAAAGGCGCCCTTTACCATGATGGCCAGCCGGGTACACAGTGCCTCACATTCTTCCA-3'
Protein context (NP_000341.2, residues 2140-2160): LAIMVKGAFR[Cys2150Tyr]MGTIQHLKSK